The following is an entry in ClinVar:

NM_000742.4(CHRNA2):c.*1117G>A

Gene: CHRNA2 (cholinergic receptor nicotinic alpha 2 subunit; minus strand). Cytogenetic location: 8p21.2.
Variant type: single nucleotide variant.
Coding change: c.*1117G>A on transcript NM_000742.4 (MANE Select); 1117 bases downstream of the stop codon, G replaced by A.
Molecular consequence: 3 prime UTR variant.
Genome position (GRCh38, 1-based): chr8:27,460,512, C>T on the plus strand (G>A on the coding strand, the complement: CHRNA2 is on the minus strand). VCF-style: chr8-27460512-C-T. GRCh37 (hg19) VCF-style: chr8-27318029-C-T.
Other names: c.*1117G>A (NM_001282455.2, NM_001347705.2, NM_001347706.2 and 2 more transcripts).
Identifiers: ClinVar variation 911891 (VCV000911891.4), dbSNP rs7840761, ClinGen allele CA174236282.

ClinVar aggregate classification (germline): Benign (1 of 4 stars; one submission).

Conditions:
Autosomal dominant nocturnal frontal lobe epilepsy 4. Also called: EPILEPSY, FAMILIAL, WITH NOCTURNAL WANDERING AND ICTAL FEAR; CHRNA2-Related Nocturnal Frontal Lobe Epilepsy, Autosomal Dominant. Identifiers: Orphanet 98784, MedGen C1835905, MONDO:0012474, OMIM 610353.

Allele frequency attached by ClinVar (database versions not stated): 1000 Genomes Project 0.00060; gnomAD 0.00106 and 0.00117; TOPMed 0.00136; 1000 Genomes Project 30x 0.00156.

Submission:

Illumina Laboratory Services, Illumina
Classification: Benign for Autosomal dominant nocturnal frontal lobe epilepsy 4. Last evaluated: 2018-01-13. Review status: criteria provided, single submitter. Criteria: ICSL Variant Classification Criteria 13 December 2019. Collection method: clinical testing. Allele origin: germline.
Comment: This variant was observed in the ICSL laboratory as part of a predisposition screen in an ostensibly healthy population. It had not been previously curated by ICSL or reported in the Human Gene Mutation Database (HGMD: prior to June 1st, 2018), and was therefore a candidate for classification through an automated scoring system. Utilizing variant allele frequency, disease prevalence and penetrance estimates, and inheritance mode, an automated score was calculated to assess if this variant is too frequent to cause the disease. Based on the score and internal cut-off values, a variant classified as benign is not then subjected to further curation. The score for this variant resulted in a classification of benign for this disease.